The following is an entry in ClinVar:

NM_001845.6(COL4A1):c.38C>T (p.Pro13Leu)

Gene: COL4A1 (collagen type IV alpha 1 chain; minus strand). Cytogenetic location: 13q34.
Variant type: single nucleotide variant.
Coding change: c.38C>T on transcript NM_001845.6 (MANE Select); coding-DNA position 38, C replaced by T.
Protein change: p.Pro13Leu; replaces proline 13 with leucine.
Molecular consequence: missense variant.
Genome position (GRCh38, 1-based): chr13:110,306,990, G>A on the plus strand (C>T on the coding strand, the complement: COL4A1 is on the minus strand). VCF-style: chr13-110306990-G-A. GRCh37 (hg19) VCF-style: chr13-110959337-G-A.
Other names: c.38C>T (NM_001845.4); c.38C>T, p.Pro13Leu (NM_001303110.2); short protein forms P13L.
Identifiers: ClinVar variation 1350555 (VCV001350555.8), dbSNP rs1031870898, ClinGen allele CA256274324.

ClinVar aggregate classification (germline): Uncertain significance. Review status: criteria provided, multiple submitters, no conflicts (2 of 4 stars). 3 submissions from 3 submitters: Uncertain significance (3). Last evaluated 2025-11-19.

Conditions:
Inborn genetic diseases. Identifiers: MedGen C0950123, MeSH D030342.
Brain small vessel disease 1 with or without ocular anomalies (BSVD1). Also called: PORENCEPHALY, TYPE 1, AUTOSOMAL DOMINANT; BRAIN SMALL VESSEL DISEASE WITH HEMORRHAGE; GOULD SYNDROME 1; Brain small vessel disease with or without ocular anomalies. Identifiers: Orphanet 2940, Orphanet 36383, Orphanet 99810, MedGen C4755307, MONDO:0008289, OMIM 175780.
Retinal arterial tortuosity. Also called: RETINAL HEMORRHAGE WITH VASCULAR TORTUOSITY; Retinal arteries, tortuosity of. Identifiers: Orphanet 75326, MedGen C0423401, MONDO:0008373, OMIM 180000, HP:0000631.
Microangiopathy and leukoencephalopathy, pontine, autosomal dominant. Also called: Pontine autosomal dominant microangiopathy with leukoencephalopathy; DEMENTIA, HEREDITARY MULTI-INFARCT, SWEDISH TYPE. Identifiers: Orphanet 477749, MedGen C5231411, MONDO:0032814, OMIM 618564.
Autosomal dominant familial hematuria-retinal arteriolar tortuosity-contractures syndrome. Also called: Angiopathy, hereditary, with nephropathy, aneurysms, and muscle cramps; Hereditary Angiopathy with Nephropathy, Aneurysms, and Muscle Cramps (HANAC) Syndrome. Identifiers: Orphanet 73229, MedGen C2673195, MONDO:0012726, OMIM 611773.
Hemorrhage, intracerebral, susceptibility to (ICH). Also called: Stroke, hemorrhagic, susceptibility to. Identifiers: MedGen C3281105, MONDO:0100533, OMIM 614519.

Allele frequency attached by ClinVar (database versions not stated): gnomAD exomes below 0.00001 and 0.00001; gnomAD 0.00001 and 0.00003; 1000 Genomes Project 30x 0.00062.
gnomAD v4.1: 12 of 1,474,772 alleles (0.00081%); highest among the groups gnomAD compares: Admixed American, 0.025%; no homozygotes.

Submissions (3):

Labcorp Genetics (formerly Invitae), Labcorp
Classification: Uncertain significance. Last evaluated: 2025-11-19. Review status: criteria provided, single submitter. Criteria: Invitae Variant Classification Sherloc (09022015). Collection method: clinical testing. Allele origin: germline.
Comment: This sequence change replaces proline, which is neutral and non-polar, with leucine, which is neutral and non-polar, at codon 13 of the COL4A1 protein (p.Pro13Leu). The frequency data for this variant in the population databases is considered unreliable, as metrics indicate poor data quality at this position in the gnomAD database. This variant has not been reported in the literature in individuals affected with COL4A1-related conditions. ClinVar contains an entry for this variant (Variation ID: 1350555). Invitae Evidence Modeling of protein sequence and biophysical properties (such as structural, functional, and spatial information, amino acid conservation, physicochemical variation, residue mobility, and thermodynamic stability) indicates that this missense variant is not expected to disrupt COL4A1 protein function with a negative predictive value of 95%. In summary, the available evidence is currently insufficient to determine the role of this variant in disease. Therefore, it has been classified as a Variant of Uncertain Significance.

Fulgent Genetics
Classification: Uncertain significance for Brain small vessel disease 1 with or without ocular anomalies; Retinal arterial tortuosity; Autosomal dominant familial hematuria-retinal arteriolar tortuosity-contractures syndrome; Hemorrhage, intracerebral, susceptibility to; Microangiopathy and leukoencephalopathy, pontine, autosomal dominant. Last evaluated: 2024-05-15. Review status: criteria provided, single submitter. Criteria: ACMG Guidelines, 2015. Collection method: clinical testing. Allele origin: germline.

Ambry Genetics
Classification: Uncertain significance for Inborn genetic diseases. Last evaluated: 2021-09-27. Review status: criteria provided, single submitter. Criteria: Ambry Variant Classification Scheme 2023. Collection method: clinical testing. Allele origin: germline.